The following is an entry in ClinVar:

ClinVar aggregate classification (germline): Likely pathogenic (1 of 4 stars; one submission).

Conditions:
Leucine-induced hypoglycemia (LIH). Also called: LEUCINE-SENSITIVE HYPOGLYCEMIA OF INFANCY. Identifiers: MedGen C0271714, MONDO:0009415, OMIM 240800.
Diabetes mellitus, permanent neonatal 3. Also called: ABCC8-Related Permanent Neonatal Diabetes Mellitus. Identifiers: MedGen C5394303, MONDO:0030088, OMIM 618857.
Hyperinsulinemic hypoglycemia, familial, 1 (HHF1). Also called: HYPERINSULINISM, FAMILIAL, WITH PANCREATIC NESIDIOBLASTOSIS; HYPOGLYCEMIA, HYPERINSULINEMIC, OF INFANCY; NESIDIOBLASTOSIS OF PANCREAS; Persistent Hyperinsulinemia Hypoglycemia of Infancy; Persistent hyperinsulinemic hypoglycemia of infancy. Identifiers: Orphanet 276575, Orphanet 276598, MedGen C2931832, MONDO:0009734, OMIM 256450.

Submission:

Molecular Genetics and NGS Laboratory, Hospital Fundacion Valle Del Lili
Classification: Likely pathogenic for Diabetes mellitus, permanent neonatal 3; Hyperinsulinemic hypoglycemia, familial, 1; Leucine-induced hypoglycemia. Last evaluated: 2023-11-16. Review status: criteria provided, single submitter. Criteria: ACMG Guidelines, 2015. Collection method: clinical testing. Allele origin: germline. Affected: yes. Observed: 1 variant allele.
Comment: The variant in affected individuals is heterozygous. In summary, the variant meets our criteria to be classified as likely pathogenic.

NM_000352.6(ABCC8):c.4383_4384dup (p.Val1462fs)

Gene: ABCC8 (ATP binding cassette subfamily C member 8; minus strand). Cytogenetic location: 11p15.1.
Variant type: Duplication.
Coding change: c.4383_4384dup on transcript NM_000352.6 (MANE Select); coding-DNA positions 4383 to 4384, 2 bases duplicated (GG; older notation c.4383_4384dupGG).
Protein change: p.Val1462fs; shifts the reading frame from valine 1462.
Molecular consequence: frameshift variant. On other transcripts: non-coding transcript variant (1).
Genome position (GRCh38, 1-based): chr11:17,395,199-17,395,200, CC duplicated on the plus strand (GG on the coding strand, the reverse complement: ABCC8 is on the minus strand). VCF-style (leftmost placement, unchanged base first): chr11-17395198-A-ACC. GRCh37 (hg19) VCF-style: chr11-17416745-A-ACC.
Other names: p.Val1462GlyfsTer3; c.4386_4387dup, p.Val1463fs (NM_001287174.3); c.4449_4450dup, p.Val1484fs (NM_001351295.2); c.4383_4384dup, p.Val1462fs (NM_001351296.2); c.4380_4381dup, p.Val1461fs (NM_001351297.2); short protein forms V1461fs, V1462fs, V1463fs, V1484fs.
Identifiers: ClinVar variation 2637920 (VCV002637920.2), dbSNP rs1953845407, ClinGen allele CA2695201095.